The following is an entry in ClinVar:

ClinVar aggregate classification (germline): Uncertain significance (1 of 4 stars; one submission).

Conditions:
Wilson disease (WND). Also called: Wilson's disease. Identifiers: Orphanet 905, MedGen C0019202, MONDO:0010200, OMIM 277900. Disease mechanism: loss of function.

Allele frequency attached by ClinVar (database versions not stated): gnomAD exomes below 0.00001 and 0.00001; ExAC 0.00001; TOPMed 0.00002.
gnomAD v4.1: 2 of 1,614,134 alleles (0.00012%); highest among the groups gnomAD compares: Admixed American, 0.0033%; no homozygotes.

Submission:

Labcorp Genetics (formerly Invitae), Labcorp
Classification: Uncertain significance for Wilson disease. Last evaluated: 2022-08-31. Review status: criteria provided, single submitter. Criteria: Invitae Variant Classification Sherloc (09022015). Collection method: clinical testing. Allele origin: germline.
Comment: This sequence change replaces asparagine, which is neutral and polar, with lysine, which is basic and polar, at codon 469 of the ATP7B protein (p.Asn469Lys). This variant is present in population databases (rs772709899, gnomAD 0.006%). This variant has not been reported in the literature in individuals affected with ATP7B-related conditions. ClinVar contains an entry for this variant (Variation ID: 1059750). Advanced modeling of protein sequence and biophysical properties (such as structural, functional, and spatial information, amino acid conservation, physicochemical variation, residue mobility, and thermodynamic stability) performed at Invitae indicates that this missense variant is not expected to disrupt ATP7B protein function. In summary, the available evidence is currently insufficient to determine the role of this variant in disease. Therefore, it has been classified as a Variant of Uncertain Significance.

NM_000053.4(ATP7B):c.1407C>A (p.Asn469Lys)

Gene: ATP7B (ATPase copper transporting beta; minus strand). Cytogenetic location: 13q14.3.
Variant type: single nucleotide variant.
Coding change: c.1407C>A on transcript NM_000053.4 (MANE Select); coding-DNA position 1407, C replaced by A.
Protein change: p.Asn469Lys; replaces asparagine 469 with lysine.
Molecular consequence: missense variant.
Genome position (GRCh38, 1-based): chr13:51,970,628, G>T on the plus strand (C>A on the coding strand, the complement: ATP7B is on the minus strand). VCF-style: chr13-51970628-G-T. GRCh37 (hg19) VCF-style: chr13-52544764-G-T.
Other names: c.1407C>A, p.Asn469Lys (NM_001005918.3, NM_001330578.2, NM_001330579.2); c.1074C>A, p.Asn358Lys (NM_001243182.2); short protein forms N358K, N469K.
Identifiers: ClinVar variation 1059750 (VCV001059750.4), dbSNP rs772709899, ClinGen allele CA6989355.